The following is an entry in ClinVar:

ClinVar aggregate classification (germline): Pathogenic. Review status: criteria provided, multiple submitters, no conflicts (2 of 4 stars). 5 submissions from 5 submitters: Pathogenic (3). 2 of the submissions do not count toward it. Last evaluated 2023-05-02.

Conditions:
Charcot-Marie-Tooth disease type 4. Also called: Charcot-Marie-Tooth disease, type IV; Charcot-Marie-Tooth, Type 4. Identifiers: Orphanet 64749, MedGen C4082197, MONDO:0018995.
Charcot-Marie-Tooth disease type 4B2. Also called: CHARCOT-MARIE-TOOTH DISEASE, DEMYELINATING, TYPE 4B2; Charcot-Marie-Tooth Neuropathy Type 4B2; CMT 4B2; CHARCOT-MARIE-TOOTH DISEASE, WITH FOCALLY FOLDED MYELIN SHEATHS, AUTOSOMAL RECESSIVE, TYPE 4B2. Identifiers: Orphanet 99956, MedGen C1858278, MONDO:0011475, OMIM 604563.
Charcot-Marie-Tooth disease. Also called: Charcot-Marie-Tooth Neuropathy; Charcot-Marie-Tooth Hereditary Neuropathy. Identifiers: Orphanet 166, MedGen C0007959, MONDO:0015626.

gnomAD v4.1: 2 of 1,613,978 alleles (0.00012%); highest among the groups gnomAD compares: Non-Finnish European, 0.00017%; no homozygotes.

Submissions (5):

Athena Diagnostics
Classification: Pathogenic. Last evaluated: 2023-05-02. Review status: criteria provided, single submitter. Criteria: Athena Diagnostics Criteria. Collection method: clinical testing. Allele origin: unknown.
Comment: This variant is expected to result in the loss of a functional protein. This variant appears to segregate with disease in at least one family. This variant has been identified in at least one individual with clinical features associated with this gene. This variant has not been reported in large, multi-ethnic general populations.

GeneDx
Classification: Pathogenic. Last evaluated: 2022-12-02. Review status: criteria provided, single submitter. Criteria: GeneDx Variant Classification Process June 2021. Collection method: clinical testing. Allele origin: germline. Affected: yes.
Comment: Nonsense variant predicted to result in protein truncation or nonsense mediated decay in a gene for which loss of function is a known mechanism of disease; Not observed at significant frequency in large population cohorts (gnomAD); This variant is associated with the following publications: (PMID: 25525159, 10932274, 31772832, 15304601)

Labcorp Genetics (formerly Invitae), Labcorp
Classification: Pathogenic for Charcot-Marie-Tooth disease type 4. Last evaluated: 2022-07-03. Review status: criteria provided, single submitter. Criteria: Invitae Variant Classification Sherloc (09022015). Collection method: clinical testing. Allele origin: germline.
Comment: For these reasons, this variant has been classified as Pathogenic. Algorithms developed to predict the effect of sequence changes on RNA splicing suggest that this variant may create or strengthen a splice site. ClinVar contains an entry for this variant (Variation ID: 2912). This premature translational stop signal has been observed in individual(s) with Charcot–Marie–Tooth disease (PMID: 15304601). It has also been observed to segregate with disease in related individuals. This variant is not present in population databases (gnomAD no frequency). This sequence change creates a premature translational stop signal (p.Arg487*) in the SBF2 gene. It is expected to result in an absent or disrupted protein product. Loss-of-function variants in SBF2 are known to be pathogenic (PMID: 12687498, 25873783).

OMIM
Classification: Pathogenic for CHARCOT-MARIE-TOOTH DISEASE, DEMYELINATING, TYPE 4B2, WITH EARLY-ONSET GLAUCOMA. Last evaluated: 2004-08-10. Review status: no assertion criteria provided. Collection method: literature only. Allele origin: germline. Not counted in ClinVar's aggregate classification.

Inherited Neuropathy Consortium
Classification: Uncertain significance for Charcot-Marie-Tooth disease. Review status: no assertion criteria provided. Collection method: literature only. Allele origin: germline. Affected: yes. Not counted in ClinVar's aggregate classification.

Literature cited by the submitters: PubMed 15304601 (cited by 4 submitters); PubMed 10932274 (cited by Athena Diagnostics and OMIM); PubMed 12687498 (cited by Labcorp Genetics (formerly Invitae), Labcorp); PubMed 25873783 (cited by Labcorp Genetics (formerly Invitae), Labcorp).

NM_030962.4(SBF2):c.1459C>T (p.Arg487Ter)

Gene: SBF2 (SET binding factor 2; minus strand). Cytogenetic location: 11p15.4.
Variant type: single nucleotide variant.
Coding change: c.1459C>T on transcript NM_030962.4 (MANE Select); coding-DNA position 1459, C replaced by T.
Protein change: p.Arg487Ter; replaces arginine 487 with a stop codon.
Molecular consequence: nonsense.
Genome position (GRCh38, 1-based): chr11:9,968,482, G>A on the plus strand (C>T on the coding strand, the complement: SBF2 is on the minus strand). VCF-style: chr11-9968482-G-A. GRCh37 (hg19) VCF-style: chr11-9990029-G-A.
Other names: c.1459C>T, p.Arg487Ter (NM_001386339.1); c.1330C>T, p.Arg444Ter (NM_001386342.1); short protein forms R487*, R444*.
Identifiers: ClinVar variation 2912 (VCV000002912.16), dbSNP rs120074139, ClinGen allele CA115868.